The following is an entry in ClinVar:

NM_024753.5(TTC21B):c.3122A>G (p.Asp1041Gly)

Gene: TTC21B (tetratricopeptide repeat domain 21B; minus strand). Cytogenetic location: 2q24.3.
Variant type: single nucleotide variant.
Coding change: c.3122A>G on transcript NM_024753.5 (MANE Select); coding-DNA position 3122, A replaced by G.
Protein change: p.Asp1041Gly; replaces aspartic acid 1041 with glycine.
Molecular consequence: missense variant.
Genome position (GRCh38, 1-based): chr2:165,890,620, T>C on the plus strand (A>G on the coding strand, the complement: TTC21B is on the minus strand). VCF-style: chr2-165890620-T-C. GRCh37 (hg19) VCF-style: chr2-166747130-T-C.
Other names: short protein forms D1041G.
Identifiers: ClinVar variation 4993031 (VCV004993031.1).

ClinVar aggregate classification (germline): Uncertain significance (1 of 4 stars; one submission).

Conditions:
TTC21B-related disorder. Also called: TTC21B-related condition; TTC21B-related disorders.

Submission:

PreventionGenetics, part of Exact Sciences
Classification: Uncertain significance for TTC21B-related condition. Last evaluated: 2025-09-25. Review status: criteria provided, single submitter. Criteria: ACMG Guidelines, 2015. Collection method: clinical testing. Allele origin: germline.
Comment: The TTC21B c.3122A>G variant is predicted to result in the amino acid substitution p.Asp1041Gly. To our knowledge, this variant has not been reported in the literature or in a large population database (gnomAD), indicating this variant is rare. At this time, the clinical significance of this variant is uncertain due to the absence of conclusive functional and genetic evidence.